The following is an entry in ClinVar:

ClinVar aggregate classification (germline): Likely benign. Review status: criteria provided, multiple submitters, no conflicts (2 of 4 stars). 3 submissions from 3 submitters: Likely benign (3). Last evaluated 2025-02-17.

Conditions:
Cardiomyopathy (CMYO). Also called: Cardiomyopathies. Identifiers: Orphanet 167848, MedGen C0878544, MONDO:0004994, HP:0001638. Inheritance: Various modes of inheritance.

Allele frequency attached by ClinVar (database versions not stated): gnomAD exomes below 0.00001.
gnomAD v4.1: 1 of 1,613,652 alleles (0.000062%); highest among the groups gnomAD compares: South Asian, 0.0011%; no homozygotes.

Submissions (3):

Molecular Diagnostic Laboratory for Inherited Cardiovascular Disease, Montreal Heart Institute
Classification: Likely benign. Last evaluated: 2025-02-17. Review status: criteria provided, single submitter. Criteria: ACMG Guidelines, 2015. Collection method: clinical testing. Allele origin: germline. Affected: no.

Color Diagnostics, LLC DBA Color Health
Classification: Likely benign for Cardiomyopathy. Last evaluated: 2023-09-18. Review status: criteria provided, single submitter. Criteria: ACMG Guidelines, 2015. Collection method: clinical testing. Allele origin: germline.

Laboratory for Molecular Medicine, Mass General Brigham Personalized Medicine
Classification: Likely benign. Last evaluated: 2013-04-03. Review status: criteria provided, single submitter. Criteria: LMM Criteria. Collection method: clinical testing. Allele origin: germline. Observed: 1 variant allele.
Comment: Leu421Leu in exon 10 of DSP: This variant is not expected to have clinical signi ficance because it does not alter an amino acid residue and is not located withi n the splice consensus sequence. Leu421Leu in exon 10 of DSP (allele frequency = n/a)

NM_004415.4(DSP):c.1263G>A (p.Leu421=)

Gene: DSP (desmoplakin; plus strand). Cytogenetic location: 6p24.3.
Variant type: single nucleotide variant.
Coding change: c.1263G>A on transcript NM_004415.4 (MANE Select); coding-DNA position 1263, G replaced by A.
Protein change: p.Leu421=; no amino-acid change (leucine 421 retained).
Molecular consequence: synonymous variant.
Genome position (GRCh38, 1-based): chr6:7,567,903, G>A. VCF-style: chr6-7567903-G-A. GRCh37 (hg19) VCF-style: chr6-7568136-G-A.
Other names: c.1263G>A, p.Leu421= (NM_001008844.3, NM_001319034.2); c.1263G>A (NM_004415.3).
Identifiers: ClinVar variation 178855 (VCV000178855.7), dbSNP rs727504492, ClinGen allele CA004820.
Genomic context (GRCh38, chr6:7,567,903, plus strand): 5'-GAAGTACCCCTGCGACAAGAACATGCCCCTGCAGCACCTGCTGGAACAGATCAAGGAGCT[G>A]GAGGTATCGTCTCAGACCCAGAACCTCAGCAGCTGTGCCTGATCAGGGAGATAAAACACA-3'
Protein context (NP_004406.2, residues 411-431): LQHLLEQIKE[Leu421=]EKEREKILEY